The following is an entry in ClinVar:

ClinVar aggregate classification (germline): Uncertain significance (1 of 4 stars; one submission).

Conditions:
Catecholaminergic polymorphic ventricular tachycardia (CVPT). Also called: Catecholamine-induced polymorphic ventricular tachycardia. Identifiers: Orphanet 3286, MedGen C5574922, MONDO:0017990.

Allele frequency attached by ClinVar (database versions not stated): ExAC 0.00001; gnomAD 0.00001.
gnomAD v4.1: 3 of 1,613,892 alleles (0.00019%); highest among the groups gnomAD compares: Admixed American, 0.005%; no homozygotes.

Submission:

All of Us Research Program, National Institutes of Health
Classification: Uncertain significance for Catecholaminergic polymorphic ventricular tachycardia. Last evaluated: 2023-09-04. Review status: criteria provided, single submitter. Criteria: ACMG Guidelines, 2015. Collection method: clinical testing. Allele origin: germline. Inheritance: Autosomal dominant inheritance. Observed: 1 variant allele, 1 heterozygote.
Comment: This missense variant replaces threonine with serine at codon 1716 of the RYR2 protein. Computational prediction suggests that this variant may not impact protein structure and function (internally defined REVEL score threshold <= 0.5, PMID: 27666373). To our knowledge, functional studies have not been reported for this variant. This variant has not been reported in individuals affected with RYR2-related disorders in the literature. This variant has been identified in 3/280508 chromosomes in the general population by the Genome Aggregation Database (gnomAD). The available evidence is insufficient to determine the role of this variant in disease conclusively. Therefore, this variant is classified as a Variant of Uncertain Significance.

This study involves interpretation of variants in research participants for the purpose of population health screening. Participant phenotype was not available at the time of variant classification. Additional details can be found in publication PMID: 35346344, PMCID: PMC8962531

NM_001035.3(RYR2):c.5146A>T (p.Thr1716Ser)

Gene: RYR2 (ryanodine receptor 2; plus strand). Cytogenetic location: 1q43.
Variant type: single nucleotide variant.
Coding change: c.5146A>T on transcript NM_001035.3 (MANE Select); coding-DNA position 5146, A replaced by T.
Protein change: p.Thr1716Ser; replaces threonine 1716 with serine.
Molecular consequence: missense variant.
Genome position (GRCh38, 1-based): chr1:237,614,274, A>T. VCF-style: chr1-237614274-A-T. GRCh37 (hg19) VCF-style: chr1-237777574-A-T.
Other names: short protein forms T1716S.
Identifiers: ClinVar variation 3073280 (VCV003073280.1), dbSNP rs769248837, ClinGen allele CA086836.